The following is an entry in ClinVar:

ClinVar aggregate classification (germline): Uncertain significance (1 of 4 stars; one submission).

Conditions:
Usher syndrome type 1F (USH1F). Also called: USHER SYNDROME, TYPE IF. Identifiers: Orphanet 231169, Orphanet 886, MedGen C1865885, MONDO:0011186, OMIM 602083.

Submission:

Myriad Genetics, Inc.
Classification: Uncertain significance for Usher syndrome type 1F. Last evaluated: 2026-02-05. Review status: criteria provided, single submitter. Criteria: Myriad Autosomal Dominant, Autosomal Recessive and X-Linked Classification Criteria (2023). Collection method: clinical testing. Allele origin: unknown.
Comment: NM_033056.3(PCDH15):c.4868dupA(N1623Kfs*7) is a frameshift variant classified as a variant of uncertain significance in the context of PCDH15-related disorders. N1623Kfs*7 has not been observed in cases with relevant disease. Relevant functional assessments of this variant are not available in the literature. N1623Kfs*7 has not been observed in referenced population frequency databases. In summary, there is insufficient evidence to classify NM_033056.3(PCDH15):c.4868dupA(N1623Kfs*7) as pathogenic or benign. Please note: this variant was assessed in the context of healthy population screening.

NM_033056.4(PCDH15):c.4868dup (p.Asn1623fs)

Gene: PCDH15 (protocadherin related 15; minus strand). Cytogenetic location: 10q21.1.
Variant type: Duplication.
Coding change: c.4868dup on transcript NM_033056.4 (MANE Plus Clinical); coding-DNA position 4868, one base duplicated (A; older notation c.4868dupA).
Protein change: p.Asn1623fs; shifts the reading frame from asparagine 1623.
Molecular consequence: frameshift variant. On other transcripts: intron variant (8).
Genome position (GRCh38, 1-based): chr10:53,822,858, T duplicated on the plus strand (A on the coding strand, the reverse complement: PCDH15 is on the minus strand); the first of 2 consecutive T bases (chr10:53,822,858-53,822,859); duplicating either gives the same sequence. VCF-style (leftmost placement, unchanged base first): chr10-53822857-A-AT. GRCh37 (hg19) VCF-style: chr10-55582617-A-AT.
Other names: c.4889dup, p.Asn1630fs (NM_001142763.2); c.4874dup, p.Asn1625fs (NM_001142764.2); c.4661dup, p.Asn1554fs (NM_001142765.2); c.4859dup, p.Asn1620fs (NM_001142766.2); c.4748dup, p.Asn1583fs (NM_001142767.2); c.4808dup, p.Asn1603fs (NM_001142768.2); c.4799dup, p.Asn1600fs (NM_001142773.2); c.4802dup, p.Asn1601fs (NM_001354404.2); and 6 more; short protein forms N1603fs, N1630fs, N1600fs, N1623fs, N1625fs, N1554fs, N1601fs, N1583fs.
Identifiers: ClinVar variation 5004449 (VCV005004449.1).
Genomic context (GRCh38, chr10:53,822,857, plus strand): 5'-TTCACCTTGCCTTATTTCCTCTTTCTCTGTCAAATTTGCCTCTTCAGTTGTAAGCAATGG[A>AT]TTGCTGCTACCTCTTTTGTTTGTACAGATTCCAGTGTTTTCATTTTCAGCTTTCTGCCTG-3'